The following is an entry in ClinVar:

ClinVar aggregate classification (germline): Likely pathogenic (1 of 4 stars; one submission).

Conditions:
Methylcobalamin deficiency type cblG (HMAG). Also called: HOMOCYSTINURIA-MEGALOBLASTIC ANEMIA, cblG COMPLEMENTATION TYPE; Functional methionine synthase deficiency type cblG; HOMOCYSTINURIA-MEGALOBLASTIC ANEMIA, cblG TYPE; HOMOCYSTINURIA-MEGALOBLASTIC ANEMIA DUE TO DEFECT IN COBALAMIN METABOLISM, cblG COMPLEMENTATION TYPE. Identifiers: Orphanet 2170, Orphanet 622, MedGen C1855128, MONDO:0009609, OMIM 250940.

Allele frequency attached by ClinVar (database versions not stated): gnomAD 0.00001.
gnomAD v4.1: 2 of 1,613,884 alleles (0.00012%); highest among the groups gnomAD compares: South Asian, 0.0022%; no homozygotes.

Submission:

Labcorp Genetics (formerly Invitae), Labcorp
Classification: Likely pathogenic for Methylcobalamin deficiency type cblG. Last evaluated: 2022-12-22. Review status: criteria provided, single submitter. Criteria: Invitae Variant Classification Sherloc (09022015). Collection method: clinical testing. Allele origin: germline.
Comment: In summary, the currently available evidence indicates that the variant is pathogenic, but additional data are needed to prove that conclusively. Therefore, this variant has been classified as Likely Pathogenic. Algorithms developed to predict the effect of sequence changes on RNA splicing suggest that this variant may disrupt the consensus splice site. Disruption of this splice site has been observed in individual(s) with cobalamin G defect (PMID: 25526710). This variant is not present in population databases (gnomAD no frequency). This sequence change affects a donor splice site in intron 15 of the MTR gene. It is expected to disrupt RNA splicing. Variants that disrupt the donor or acceptor splice site typically lead to a loss of protein function (PMID: 16199547), and loss-of-function variants in MTR are known to be pathogenic (PMID: 9683607, 12068375).

Literature cited by the submitters: PubMed 25526710; PubMed 16199547; PubMed 9683607; PubMed 12068375.

NM_000254.3(MTR):c.1515+2T>C

Gene: MTR (5-methyltetrahydrofolate-homocysteine methyltransferase; plus strand). Cytogenetic location: 1q43.
Variant type: single nucleotide variant.
Coding change: c.1515+2T>C on transcript NM_000254.3 (MANE Select); the canonical splice donor site of the intron after coding-DNA position 1515, T replaced by C.
Molecular consequence: splice donor variant.
Genome position (GRCh38, 1-based): chr1:236,838,601, T>C. VCF-style: chr1-236838601-T-C. GRCh37 (hg19) VCF-style: chr1-237001901-T-C.
Other names: c.1515+2T>C (NM_001291939.1, NM_001410942.1); c.294+2T>C (NM_001291940.2).
Identifiers: ClinVar variation 2793335 (VCV002793335.3), dbSNP rs765288116, ClinGen allele CA39755820.